The following is an entry in ClinVar:

ClinVar aggregate classification (germline): Uncertain significance (1 of 4 stars; one submission).

Conditions:
Aicardi-Goutieres syndrome 7 (AGS7). Identifiers: Orphanet 51, MedGen C3888244, MONDO:0014367, OMIM 615846.
Singleton-Merten syndrome 1 (SGMRT1). Also called: Widened medullary cavities of bone, aortic calcification, abnormal dentition, and muscular weakness; Syndrome of widened medullary cavities of the metacarpals and phalanges, aortic calcification and abnormal dentition. Identifiers: Orphanet 85191, MedGen C4225427, MONDO:0024535, OMIM 182250.

gnomAD v4.1: 1 of 1,612,244 alleles (0.000062%); highest among the groups gnomAD compares: Non-Finnish European, 0.000085%; no homozygotes.

Submission:

Labcorp Genetics (formerly Invitae), Labcorp
Classification: Uncertain significance for Aicardi-Goutieres syndrome 7; Singleton-Merten syndrome 1. Last evaluated: 2024-09-13. Review status: criteria provided, single submitter. Criteria: Invitae Variant Classification Sherloc (09022015). Collection method: clinical testing. Allele origin: germline.
Comment: This sequence change affects a donor splice site in intron 2 of the IFIH1 gene. It is expected to disrupt RNA splicing. Variants that disrupt the donor or acceptor splice site typically lead to a loss of protein function (PMID: 16199547), however the current clinical and genetic evidence is not sufficient to establish whether loss-of-function variants in IFIH1 cause disease. This variant is not present in population databases (gnomAD no frequency). This variant has not been reported in the literature in individuals affected with IFIH1-related conditions. Algorithms developed to predict the effect of sequence changes on RNA splicing suggest that this variant may disrupt the consensus splice site. In summary, the available evidence is currently insufficient to determine the role of this variant in disease. Therefore, it has been classified as a Variant of Uncertain Significance.

Literature cited by the submitters: PubMed 16199547.

NM_022168.4(IFIH1):c.622+1G>T

Gene: IFIH1 (interferon induced with helicase C domain 1; minus strand). Cytogenetic location: 2q24.2.
Variant type: single nucleotide variant.
Coding change: c.622+1G>T on transcript NM_022168.4 (MANE Select); the canonical splice donor site of the intron after coding-DNA position 622, G replaced by T.
Molecular consequence: splice donor variant.
Genome position (GRCh38, 1-based): chr2:162,310,764, C>A on the plus strand (G>T on the coding strand, the complement: IFIH1 is on the minus strand). VCF-style: chr2-162310764-C-A. GRCh37 (hg19) VCF-style: chr2-163167274-C-A.
Identifiers: ClinVar variation 3762595 (VCV003762595.2).